The following is an entry in ClinVar:

NM_001297595.2(SIN3B):c.2423-4G>A

Gene: SIN3B (SIN3 transcription regulator family member B; plus strand). Cytogenetic location: 19p13.11.
Variant type: single nucleotide variant.
Coding change: c.2423-4G>A on transcript NM_001297595.2 (MANE Select); 4 bases into the intron before coding-DNA position 2423, G replaced by A.
Molecular consequence: intron variant.
Genome position (GRCh38, 1-based): chr19:16,871,225, G>A. VCF-style: chr19-16871225-G-A. GRCh37 (hg19) VCF-style: chr19-16982036-G-A.
Other names: c.2519-4G>A (NM_015260.4); c.1193-4G>A (NM_001297597.2).
Identifiers: ClinVar variation 3053118 (VCV003053118.2), dbSNP rs201702460, ClinGen allele CA9283453.

ClinVar aggregate classification (germline): Likely benign (0 of 4 stars; one submission).

Conditions:
SIN3B-related disorder. Also called: SIN3B-related condition.

Allele frequency attached by ClinVar (database versions not stated): gnomAD exomes 0.00004; gnomAD 0.00007; TOPMed 0.00008; ExAC 0.00010; 1000 Genomes Project 30x 0.00016; 1000 Genomes Project 0.00020.
gnomAD v4.1: 68 of 1,614,104 alleles (0.0042%); highest among the groups gnomAD compares: East Asian, 0.087%; no homozygotes.

Submission:

PreventionGenetics, part of Exact Sciences
Classification: Likely benign for SIN3B-related condition. Last evaluated: 2019-08-29. Review status: no assertion criteria provided. Collection method: clinical testing. Allele origin: germline.
Comment: This variant is classified as likely benign based on ACMG/AMP sequence variant interpretation guidelines (Richards et al. 2015 PMID: 25741868, with internal and published modifications).